The following is an entry in ClinVar:

NM_207361.6(FREM2):c.326T>C (p.Val109Ala)

Gene: FREM2 (FRAS1 related extracellular matrix 2; plus strand). Cytogenetic location: 13q13.3.
Variant type: single nucleotide variant.
Coding change: c.326T>C on transcript NM_207361.6 (MANE Select); coding-DNA position 326, T replaced by C.
Protein change: p.Val109Ala; replaces valine 109 with alanine.
Molecular consequence: missense variant.
Genome position (GRCh38, 1-based): chr13:38,687,670, T>C. VCF-style: chr13-38687670-T-C. GRCh37 (hg19) VCF-style: chr13-39261807-T-C.
Other names: short protein forms V109A.
Identifiers: ClinVar variation 1049653 (VCV001049653.1), dbSNP rs909150998, ClinGen allele CA248285458.

ClinVar aggregate classification (germline): Uncertain significance (0 of 4 stars; one submission).

Allele frequency attached by ClinVar (database versions not stated): gnomAD exomes below 0.00001; gnomAD 0.00001.
gnomAD v4.1: 3 of 1,598,974 alleles (0.00019%); highest among the groups gnomAD compares: African/African-American, 0.004%; no homozygotes.

Submission:

Department of Pathology and Laboratory Medicine, Sinai Health System
Classification: Uncertain significance. Review status: no assertion criteria provided. Collection method: clinical testing. Allele origin: unknown. Affected: yes. Study: The Canadian Open Genetics Repository (COGR).
Comment: The FREM2 p.Val109Ala variant was not identified in the literature nor was it identified in ClinVar or LOVD 3.0. The variant was identified in dbSNP (ID: rs909150998) but was not identified in the following control databases: the 1000 Genomes Project, the NHLBI GO Exome Sequencing Project, or the Genome Aggregation Database (March 6, 2019, v2.1.1). The p.Val109 residue is conserved in mammals and computational analyses (PolyPhen-2, SIFT, AlignGVGD, BLOSUM, MutationTaster) provide inconsistent predictions regarding the impact to the protein; this information is not very predictive of pathogenicity. The variant occurs outside of the splicing consensus sequence and 2 of 4 in silico or computational prediction software programs (SpliceSiteFinder, MaxEntScan, NNSPLICE, GeneSplicer) predict a greater than 10% difference in splicing; this is not very predictive of pathogenicity. In summary, based on the above information the clinical significance of this variant cannot be determined with certainty at this time. This variant is classified as a variant of uncertain significance.